The following is an entry in ClinVar:

ClinVar aggregate classification (germline): Benign/Likely benign. Review status: criteria provided, multiple submitters, no conflicts (2 of 4 stars). 5 submissions from 5 submitters: Benign (2); Likely benign (3). Last evaluated 2026-08-01.

Conditions:
Complement component 5 deficiency. Also called: C5 DEFICIENCY. Identifiers: MedGen C0343047, MONDO:0012295, OMIM 609536.
Eculizumab, poor response to. Identifiers: MedGen C3810402, OMIM 615749.

Allele frequency attached by ClinVar (database versions not stated): 1000 Genomes Project 30x 0.00297; gnomAD 0.00318 and 0.00349; 1000 Genomes Project 0.00319; TOPMed 0.00390; ESP Exome Variant Server 0.00392.
gnomAD v4.1: 1,096 of 1,614,002 alleles (0.068%); highest among the groups gnomAD compares: African/African-American, 1.1%; 3 homozygotes.

Submissions (5):

CeGaT Center for Human Genetics Tuebingen
Classification: Benign. Last evaluated: 2026-08-01. Review status: criteria provided, single submitter. Criteria: CeGaT Center For Human Genetics Tuebingen Variant Classification Criteria Version 2. Collection method: clinical testing. Allele origin: germline. Affected: yes. Observed: 2 variant alleles.
Comment: C5: BS1, BS2

Labcorp Genetics (formerly Invitae), Labcorp
Classification: Benign. Last evaluated: 2026-02-02. Review status: criteria provided, single submitter. Criteria: Invitae Variant Classification Sherloc (09022015). Collection method: clinical testing. Allele origin: germline.

Women's Health and Genetics/Laboratory Corporation of America, LabCorp
Classification: Likely benign. Last evaluated: 2026-01-30. Review status: criteria provided, single submitter. Criteria: LabCorp Variant Classification Summary - May 2015. Collection method: clinical testing. Allele origin: germline.
Comment: Variant summary: C5 c.3033G>C (p.Glu1011Asp) results in a conservative amino acid change in the encoded protein sequence. Algorithms developed to predict the effect of missense changes on protein structure and function are either unavailable or do not agree on the potential impact of this missense change. The variant allele was found at a frequency of 0.00091 in 251456 control chromosomes, predominantly at a frequency of 0.012 within the African or African-American subpopulation in the gnomAD database, including 1 homozygote. The observed variant frequency within African or African-American control individuals in the gnomAD database exceeds the estimated maximal expected allele frequency for disease-causing variants in C5. c.3033G>C has been observed in individual(s) affected with Complement component 5 deficiency or atypical hemolytic uremic syndrome (El Sissy_2019, Rydberg_2023). These report(s) do not provide unequivocal conclusions about association of the variant with Complement component 5 deficiency. To our knowledge, no experimental evidence demonstrating an impact on protein function has been reported. The following publications have been ascertained in the context of this evaluation (PMID: 31440263, 37744338). ClinVar contains an entry for this variant (Variation ID: 717915). Based on the evidence outlined above, the variant was classified as likely benign.

Blueprint Genetics
Classification: Likely benign. Last evaluated: 2024-11-11. Review status: criteria provided, single submitter. Criteria: ACMG Guidelines, 2015. Collection method: clinical testing. Allele origin: germline.

Fulgent Genetics
Classification: Likely benign for Complement component 5 deficiency; Eculizumab, poor response to. Last evaluated: 2022-04-10. Review status: criteria provided, single submitter. Criteria: ACMG Guidelines, 2015. Collection method: clinical testing. Allele origin: unknown.

Literature cited by the submitters: PubMed 31440263 (cited by Women's Health and Genetics/Laboratory Corporation of America, LabCorp); PubMed 37744338 (cited by Women's Health and Genetics/Laboratory Corporation of America, LabCorp).

NM_001735.3(C5):c.3033G>C (p.Glu1011Asp)

Gene: C5 (complement C5; minus strand). Cytogenetic location: 9q33.2.
Variant type: single nucleotide variant.
Coding change: c.3033G>C on transcript NM_001735.3 (MANE Select); coding-DNA position 3033, G replaced by C.
Protein change: p.Glu1011Asp; replaces glutamic acid 1011 with aspartic acid.
Molecular consequence: missense variant.
Genome position (GRCh38, 1-based): chr9:120,989,689, C>G on the plus strand (G>C on the coding strand, the complement: C5 is on the minus strand). VCF-style: chr9-120989689-C-G. GRCh37 (hg19) VCF-style: chr9-123751967-C-G.
Other names: c.3051G>C, p.Glu1017Asp (NM_001317163.2); short protein forms E1011D, E1017D.
Identifiers: ClinVar variation 717915 (VCV000717915.34), dbSNP rs150096192, ClinGen allele CA5217587.